The following is an entry in ClinVar:

NM_000038.6(APC):c.566T>G (p.Leu189Trp)

Gene: APC (APC regulator of WNT signaling pathway; plus strand). Cytogenetic location: 5q22.2.
Variant type: single nucleotide variant.
Coding change: c.566T>G on transcript NM_000038.6 (MANE Select); coding-DNA position 566, T replaced by G.
Protein change: p.Leu189Trp; replaces leucine 189 with tryptophan.
Molecular consequence: missense variant. On other transcripts: 5 prime UTR variant (1).
Genome position (GRCh38, 1-based): chr5:112,780,824, T>G. VCF-style: chr5-112780824-T-G. GRCh37 (hg19) VCF-style: chr5-112116521-T-G.
Other names: c.566T>G, p.Leu189Trp (NM_001127510.3, NM_001354895.2, NM_001354896.2 and 2 more transcripts); c.596T>G, p.Leu199Trp (NM_001127511.3, NM_001354897.2, NM_001354902.2); c.491T>G, p.Leu164Trp (NM_001354898.2, NM_001354904.2); c.389T>G, p.Leu130Trp (NM_001354900.2, NM_001354901.2, NM_001354905.2); c.-470T>G (NM_001354906.2); short protein forms L189W, L199W, L130W, L164W.
Identifiers: ClinVar variation 495367 (VCV000495367.1), dbSNP rs1554072581, ClinGen allele CA16022573.
Genomic context (GRCh38, chr5:112,780,824, plus strand): 5'-TACTTTTTTATTATTTGTGGTTTTAGTTTTCCTTACAAACAGATATGACCAGAAGGCAAT[T>G]GGAATATGAAGCAAGGCAAATCAGAGTTGCGATGGAAGAACAACTAGGTACCTGCCAGGA-3'
Protein context (NP_000029.2, residues 179-199): SLQTDMTRRQ[Leu189Trp]EYEARQIRVA

ClinVar aggregate classification (germline): Uncertain significance (1 of 4 stars; one submission).

Submission:

Women's Health and Genetics/Laboratory Corporation of America, LabCorp
Classification: Uncertain significance. Last evaluated: 2016-12-05. Review status: criteria provided, single submitter. Criteria: LabCorp Variant Classification Summary - May 2015. Collection method: clinical testing. Allele origin: germline.
Comment: Variant summary: The c.566T>G (p.Leu189Trp) in APC gene is a missense change that involves a highly conserved nucleotide and 5/5 in silico tools predict deleterious outcome. The variant of interest is located outside of any known functional domain and the functional impact of this missense change is yet to be studied. The variant is absent from the large control population dataset of ExAC and has not, to our knowledge, been reported in affected individual via published reports. In addition, one database cites the variant as VUS. At this time there is not sufficient undeniable evidence to classify this variant with confidence. Taken together, the variant was classified as VUS until more data becomes available.